The following is an entry in ClinVar:

ClinVar aggregate classification (germline): Uncertain significance (1 of 4 stars; one submission).

Allele frequency attached by ClinVar (database versions not stated): gnomAD exomes below 0.00001 and 0.00001; ExAC 0.00001; TOPMed 0.00001; gnomAD 0.00002; ESP Exome Variant Server 0.00008.
gnomAD v4.1: 7 of 1,613,142 alleles (0.00043%); highest among the groups gnomAD compares: African/African-American, 0.0093%; no homozygotes.

Submission:

Labcorp Genetics (formerly Invitae), Labcorp
Classification: Uncertain significance. Last evaluated: 2021-09-01. Review status: criteria provided, single submitter. Criteria: Invitae Variant Classification Sherloc (09022015). Collection method: clinical testing. Allele origin: germline.
Comment: This sequence change replaces isoleucine with valine at codon 1418 of the PTPN23 protein (p.Ile1418Val). The isoleucine residue is weakly conserved and there is a small physicochemical difference between isoleucine and valine. This variant is present in population databases (rs148239718, ExAC 0.01%). This variant has not been reported in the literature in individuals affected with PTPN23-related conditions. Algorithms developed to predict the effect of missense changes on protein structure and function are either unavailable or do not agree on the potential impact of this missense change (SIFT: "Deleterious"; PolyPhen-2: "Benign"; Align-GVGD: "Class C0"). In summary, the available evidence is currently insufficient to determine the role of this variant in disease. Therefore, it has been classified as a Variant of Uncertain Significance.

NM_015466.4(PTPN23):c.4252A>G (p.Ile1418Val)

Gene: PTPN23 (protein tyrosine phosphatase non-receptor type 23; plus strand). Cytogenetic location: 3p21.31.
Variant type: single nucleotide variant.
Coding change: c.4252A>G on transcript NM_015466.4 (MANE Select); coding-DNA position 4252, A replaced by G.
Protein change: p.Ile1418Val; replaces isoleucine 1418 with valine.
Molecular consequence: missense variant.
Genome position (GRCh38, 1-based): chr3:47,412,356, A>G. VCF-style: chr3-47412356-A-G. GRCh37 (hg19) VCF-style: chr3-47453846-A-G.
Other names: c.3874A>G, p.Ile1292Val (NM_001304482.2); short protein forms I1418V, I1292V.
Identifiers: ClinVar variation 1499677 (VCV001499677.5), dbSNP rs148239718, ClinGen allele CA2366528.